The following is an entry in ClinVar:

ClinVar aggregate classification (germline): Uncertain significance. Review status: criteria provided, multiple submitters, no conflicts (2 of 4 stars). 2 submissions from 2 submitters: Uncertain significance (2). Last evaluated 2025-02-10.

Conditions:
Inborn genetic diseases. Identifiers: MedGen C0950123, MeSH D030342.

Allele frequency attached by ClinVar (database versions not stated): TOPMed 0.00002; gnomAD 0.00003; gnomAD exomes 0.00006.

Submissions (2):

Labcorp Genetics (formerly Invitae), Labcorp
Classification: Uncertain significance. Last evaluated: 2025-02-10. Review status: criteria provided, single submitter. Criteria: Invitae Variant Classification Sherloc (09022015). Collection method: clinical testing. Allele origin: germline.
Comment: This sequence change replaces alanine, which is neutral and non-polar, with glycine, which is neutral and non-polar, at codon 256 of the KISS1R protein (p.Ala256Gly). This variant is present in population databases (rs751356907, gnomAD 0.04%). This variant has not been reported in the literature in individuals affected with KISS1R-related conditions. ClinVar contains an entry for this variant (Variation ID: 1403012). Invitae Evidence Modeling of protein sequence and biophysical properties (such as structural, functional, and spatial information, amino acid conservation, physicochemical variation, residue mobility, and thermodynamic stability) indicates that this missense variant is not expected to disrupt KISS1R protein function with a negative predictive value of 80%. In summary, the available evidence is currently insufficient to determine the role of this variant in disease. Therefore, it has been classified as a Variant of Uncertain Significance.

Ambry Genetics
Classification: Uncertain significance for Inborn genetic diseases. Last evaluated: 2024-05-26. Review status: criteria provided, single submitter. Criteria: Ambry Variant Classification Scheme 2023. Collection method: clinical testing. Allele origin: germline.

NM_032551.5(KISS1R):c.767C>G (p.Ala256Gly)

Gene: KISS1R (KISS1 receptor; plus strand). Cytogenetic location: 19p13.3.
Variant type: single nucleotide variant.
Coding change: c.767C>G on transcript NM_032551.5 (MANE Select); coding-DNA position 767, C replaced by G.
Protein change: p.Ala256Gly; replaces alanine 256 with glycine.
Molecular consequence: missense variant.
Genome position (GRCh38, 1-based): chr19:920,318, C>G. VCF-style: chr19-920318-C-G. GRCh37 (hg19) VCF-style: chr19-920318-C-G.
Other names: c.767C>G (NM_032551.4); short protein forms A256G.
Identifiers: ClinVar variation 1403012 (VCV001403012.7), dbSNP rs751356907, ClinGen allele CA9028841.